The following is an entry in ClinVar:

ClinVar aggregate classification (germline): Likely pathogenic (1 of 4 stars; one submission).

Conditions:
Myopathy caused by variation in FKTN. Identifiers: MedGen CN305638, MONDO:0700067.

Submission:

Myriad Genetics, Inc.
Classification: Likely pathogenic for Myopathy caused by variation in FKTN. Last evaluated: 2022-03-30. Review status: criteria provided, single submitter. Criteria: Myriad Autosomal Dominant, Autosomal Recessive and X-Linked Classification Criteria (2023). Collection method: clinical testing. Allele origin: unknown.
Comment: NM_001079802.1(FKTN):c.245T>A(L82*) is expected to be pathogenic in the context of FKTN-related disorders. This variant is predicted to lead to an abnormal or absent protein product due to the creation of a premature termination codon in FKTN, a gene where loss-of-function variants are known to be pathogenic. Please note: this variant was assessed in the context of healthy population screening.

NM_001079802.2(FKTN):c.245T>A (p.Leu82Ter)

Gene: FKTN (fukutin; plus strand). Cytogenetic location: 9q31.2.
Variant type: single nucleotide variant.
Coding change: c.245T>A on transcript NM_001079802.2 (MANE Select); coding-DNA position 245, T replaced by A.
Protein change: p.Leu82Ter; replaces leucine 82 with a stop codon.
Molecular consequence: nonsense. On other transcripts: 5 prime UTR variant (4), non-coding transcript variant (2).
Genome position (GRCh38, 1-based): chr9:105,601,224, T>A. VCF-style: chr9-105601224-T-A. GRCh37 (hg19) VCF-style: chr9-108363505-T-A.
Other names: c.245T>A, p.Leu82Ter (NM_001198963.2, NM_001351496.2, NM_001351498.2 and 1 more transcripts); c.176T>A, p.Leu59Ter (NM_001351497.2); c.-270T>A (NM_001351499.2, NM_001351500.2, NM_001351501.2 and 1 more transcripts); short protein forms L59*, L82*.
Identifiers: ClinVar variation 1726685 (VCV001726685.3), dbSNP rs2539334508, ClinGen allele CA374331561.
Genomic context (GRCh38, chr9:105,601,224, plus strand): 5'-TTATGTTAACATCCAACCAAAATGTACCAGTGTTTCTTATTGATCCTTTGATACTGGAAT[T>A]GATTAATAAGAACTTTGAACAAGTCAAAAATACTTCTCATGGCTCTACTTCACAATGCAA-3'